The following is an entry in ClinVar:

ClinVar aggregate classification (germline): Uncertain significance (1 of 4 stars; one submission).

Conditions:
Dyskeratosis congenita, autosomal recessive 5 (DKCB5). Identifiers: MedGen C3554656, MONDO:0014076, OMIM 615190.
Pulmonary fibrosis and/or bone marrow failure, Telomere-related, 3. Also called: PULMONARY FIBROSIS AND/OR BONE MARROW FAILURE SYNDROME, TELOMERE-RELATED, 3. Identifiers: Orphanet 2032, MedGen C4225346, MONDO:0014613, OMIM 616373.

Submission:

Labcorp Genetics (formerly Invitae), Labcorp
Classification: Uncertain significance for Dyskeratosis congenita, autosomal recessive 5; Pulmonary fibrosis and/or bone marrow failure, Telomere-related, 3. Last evaluated: 2024-01-13. Review status: criteria provided, single submitter. Criteria: Invitae Variant Classification Sherloc (09022015). Collection method: clinical testing. Allele origin: germline.
Comment: This sequence change replaces alanine, which is neutral and non-polar, with glutamic acid, which is acidic and polar, at codon 1012 of the RTEL1 protein (p.Ala1012Glu). This variant is not present in population databases (gnomAD no frequency). This variant has not been reported in the literature in individuals affected with RTEL1-related conditions. An algorithm developed to predict the effect of missense changes on protein structure and function (PolyPhen-2) suggests that this variant is likely to be disruptive. In summary, the available evidence is currently insufficient to determine the role of this variant in disease. Therefore, it has been classified as a Variant of Uncertain Significance.

NM_001283009.2(RTEL1):c.3035C>A (p.Ala1012Glu)

Genes: RTEL1 (regulator of telomere elongation helicase 1; plus strand), RTEL1-TNFRSF6B (RTEL1-TNFRSF6B readthrough (NMD candidate); plus strand). Cytogenetic location: 20q13.33.
Variant type: single nucleotide variant.
Coding change: c.3035C>A on transcript NM_001283009.2 (MANE Select); coding-DNA position 3035, C replaced by A.
Protein change: p.Ala1012Glu; replaces alanine 1012 with glutamic acid.
Molecular consequence: missense variant. On other transcripts: non-coding transcript variant (1).
Genome position (GRCh38, 1-based): chr20:63,694,414, C>A. VCF-style: chr20-63694414-C-A. GRCh37 (hg19) VCF-style: chr20-62325767-C-A.
Other names: c.2366C>A, p.Ala789Glu (NM_001283010.1); c.3035C>A, p.Ala1012Glu (NM_016434.4); c.3107C>A, p.Ala1036Glu (NM_032957.5); short protein forms A1012E, A1036E, A789E.
Identifiers: ClinVar variation 2936913 (VCV002936913.3), dbSNP rs952399561, ClinGen allele CA409684463.